The following is an entry in ClinVar:

ClinVar aggregate classification (germline): Conflicting classifications of pathogenicity. Review status: criteria provided, conflicting classifications (1 of 4 stars). 7 submissions from 7 submitters: Uncertain significance (3); Likely benign (4). Last evaluated 2026-01-12.

Conditions:
NOTCH1-related disorder. Also called: NOTCH1-related condition; NOTCH1-related disorders.
Adams-Oliver syndrome 5 (AOS5). Identifiers: Orphanet 974, MedGen C4014970, MONDO:0014459, OMIM 616028.
Aortic valve disease 1 (AOVD1). Identifiers: MedGen C3887892, MONDO:0024523, OMIM 109730.
Familial thoracic aortic aneurysm and aortic dissection (TAAD). Also called: Thoracic aortic aneurysms and dissections. Identifiers: Orphanet 91387, MedGen C4707243, MONDO:0019625.

Allele frequency attached by ClinVar (database versions not stated): TOPMed 0.00009; gnomAD 0.00014 and 0.00015; gnomAD exomes 0.00014; ExAC 0.00051.
gnomAD v4.1: 162 of 1,534,572 alleles (0.011%); highest among the groups gnomAD compares: African/African-American, 0.012%; no homozygotes.

Submissions (7):

Labcorp Genetics (formerly Invitae), Labcorp
Classification: Likely benign for Adams-Oliver syndrome 5. Last evaluated: 2026-01-12. Review status: criteria provided, single submitter. Criteria: Invitae Variant Classification Sherloc (09022015). Collection method: clinical testing. Allele origin: germline.

PreventionGenetics, part of Exact Sciences
Classification: Likely benign for NOTCH1-related condition. Last evaluated: 2025-04-13. Review status: criteria provided, single submitter. Criteria: ACMG Guidelines, 2015. Collection method: clinical testing. Allele origin: germline.
Comment: This variant is classified as likely benign based on ACMG/AMP sequence variant interpretation guidelines (Richards et al. 2015 PMID: 25741868, with internal and published modifications).

Women's Health and Genetics/Laboratory Corporation of America, LabCorp
Classification: Likely benign. Last evaluated: 2025-03-07. Review status: criteria provided, single submitter. Criteria: LabCorp Variant Classification Summary - May 2015. Collection method: clinical testing. Allele origin: germline.
Comment: Variant summary: NOTCH1 c.4988G>A (p.Arg1663Gln) results in a conservative amino acid change in the encoded protein sequence. Three of five in-silico tools predict a benign effect of the variant on protein function. The variant allele was found at a frequency of 0.00014 in 136814 control chromosomes. The observed variant frequency is approximately 4-fold of the estimated maximal expected allele frequency for a pathogenic variant in NOTCH1 causing Aortic Valve Disease phenotype (3.1e-05). To our knowledge, no occurrence of c.4988G>A in individuals affected with Aortic Valve Disease and no experimental evidence demonstrating its impact on protein function have been reported. ClinVar contains an entry for this variant (Variation ID: 477936). Based on the evidence outlined above, the variant was classified as likely benign.

Blueprint Genetics
Classification: Likely benign. Last evaluated: 2024-04-29. Review status: criteria provided, single submitter. Criteria: ACMG Guidelines, 2015. Collection method: clinical testing. Allele origin: germline.

Ambry Genetics
Classification: Uncertain significance for Familial thoracic aortic aneurysm and aortic dissection. Last evaluated: 2024-03-01. Review status: criteria provided, single submitter. Criteria: Ambry Variant Classification Scheme 2023. Collection method: clinical testing. Allele origin: germline.
Comment: The p.R1663Q variant (also known as c.4988G>A), located in coding exon 26 of the NOTCH1 gene, results from a G to A substitution at nucleotide position 4988. The arginine at codon 1663 is replaced by glutamine, an amino acid with highly similar properties. This amino acid position is well conserved in available vertebrate species. In addition, this alteration is predicted to be tolerated by in silico analysis. Since supporting evidence is limited at this time, the clinical significance of this alteration remains unclear.

GeneDx
Classification: Uncertain significance. Last evaluated: 2024-02-21. Review status: criteria provided, single submitter. Criteria: GeneDx Variant Classification Process June 2021. Collection method: clinical testing. Allele origin: germline. Affected: yes.
Comment: Has not been definitively reported in the germline as pathogenic or benign to our knowledge; In silico analysis supports that this missense variant does not alter protein structure/function; This variant is associated with the following publications: (PMID: 31866570)

Fulgent Genetics
Classification: Uncertain significance for Aortic valve disease 1; Adams-Oliver syndrome 5. Last evaluated: 2018-10-31. Review status: criteria provided, single submitter. Criteria: ACMG Guidelines, 2015. Collection method: clinical testing. Allele origin: unknown.

Literature cited by the submitters: PubMed 24943832 (cited by Women's Health and Genetics/Laboratory Corporation of America, LabCorp); PubMed 16614245 (cited by Women's Health and Genetics/Laboratory Corporation of America, LabCorp); PubMed 21670202 (cited by Women's Health and Genetics/Laboratory Corporation of America, LabCorp); PubMed 22210878 (cited by Women's Health and Genetics/Laboratory Corporation of America, LabCorp); PubMed 19635999 (cited by Women's Health and Genetics/Laboratory Corporation of America, LabCorp); PubMed 26837699 (cited by Women's Health and Genetics/Laboratory Corporation of America, LabCorp); PubMed 23086750 (cited by Women's Health and Genetics/Laboratory Corporation of America, LabCorp); PubMed 19245433 (cited by Women's Health and Genetics/Laboratory Corporation of America, LabCorp); PubMed 22077063 (cited by Women's Health and Genetics/Laboratory Corporation of America, LabCorp); PubMed 15472075 (cited by Women's Health and Genetics/Laboratory Corporation of America, LabCorp); PubMed 23734977 (cited by Women's Health and Genetics/Laboratory Corporation of America, LabCorp); PubMed 22858860 (cited by Women's Health and Genetics/Laboratory Corporation of America, LabCorp); PubMed 31866570 (cited by Ambry Genetics).

NM_017617.5(NOTCH1):c.4988G>A (p.Arg1663Gln)

Gene: NOTCH1 (notch receptor 1; minus strand). Cytogenetic location: 9q34.3.
Variant type: single nucleotide variant.
Coding change: c.4988G>A on transcript NM_017617.5 (MANE Select); coding-DNA position 4988, G replaced by A.
Protein change: p.Arg1663Gln; replaces arginine 1663 with glutamine.
Molecular consequence: missense variant.
Genome position (GRCh38, 1-based): chr9:136,504,703, C>T on the plus strand (G>A on the coding strand, the complement: NOTCH1 is on the minus strand). VCF-style: chr9-136504703-C-T. GRCh37 (hg19) VCF-style: chr9-139399155-C-T.
Other names: c.4988G>A (NM_017617.4); c.4988G>A, p.Arg1663Gln (LRG_1122t1); short protein forms R1663Q.
Identifiers: ClinVar variation 477936 (VCV000477936.22), dbSNP rs749490844, ClinGen allele CA5340483.